The following is an entry in ClinVar:

NM_000593.6(TAP1):c.1738C>T (p.Gln580Ter)

Gene: TAP1 (transporter 1, ATP binding cassette subfamily B member; minus strand). Cytogenetic location: 6p21.32.
Variant type: single nucleotide variant.
Coding change: c.1738C>T on transcript NM_000593.6 (MANE Select); coding-DNA position 1738, C replaced by T.
Protein change: p.Gln580Ter; replaces glutamine 580 with a stop codon.
Molecular consequence: nonsense.
Genome position (GRCh38, 1-based): chr6:32,847,921, G>A on the plus strand (C>T on the coding strand, the complement: TAP1 is on the minus strand). VCF-style: chr6-32847921-G-A. GRCh37 (hg19) VCF-style: chr6-32815698-G-A.
Other names: c.1135C>T, p.Gln379Ter (NM_001292022.2); short protein forms Q580*, Q379*.
Identifiers: ClinVar variation 2792573 (VCV002792573.3), dbSNP rs1331472742, ClinGen allele CA363591341.
Genomic context (GRCh38, chr6:32,847,921, plus strand): 5'-AAGAATGCTCTTCGTATTTGATGCTCCCTGCCCTCCTTCAAGCCACCTGCTTCCATACCT[G>A]CCTGTGCAGGTAGCGGTGCTCATATTGGGGAAGGGGCTTCCCATCCAACAGCAGCTGTCC-3'

ClinVar aggregate classification (germline): Pathogenic (1 of 4 stars; one submission).

Conditions:
MHC class I deficiency. Identifiers: Orphanet 34592, MedGen C6024714, MONDO:0011476.

Allele frequency attached by ClinVar (database versions not stated): gnomAD exomes below 0.00001; TOPMed below 0.00001.

Submission:

Labcorp Genetics (formerly Invitae), Labcorp
Classification: Pathogenic for MHC class I deficiency 1. Last evaluated: 2023-04-24. Review status: criteria provided, single submitter. Criteria: Invitae Variant Classification Sherloc (09022015). Collection method: clinical testing. Allele origin: germline.
Comment: For these reasons, this variant has been classified as Pathogenic. This variant has not been reported in the literature in individuals affected with TAP1-related conditions. This variant is not present in population databases (gnomAD no frequency). This sequence change creates a premature translational stop signal (p.Gln640*) in the TAP1 gene. It is expected to result in an absent or disrupted protein product. Loss-of-function variants in TAP1 are known to be pathogenic (PMID: 10074494, 10074495). Algorithms developed to predict the effect of sequence changes on RNA splicing suggest that this variant may disrupt the consensus splice site.

Literature cited by the submitters: PubMed 10074494; PubMed 10074495.